The following is an entry in ClinVar:

ClinVar aggregate classification (germline): Uncertain significance (1 of 4 stars; one submission).

Conditions:
Peroxisome biogenesis disorder, complementation group K (CGK). Identifiers: MedGen C1866257, MONDO:0800365.

Allele frequency attached by ClinVar (database versions not stated): gnomAD exomes below 0.00001; ExAC 0.00001; TOPMed 0.00002.
gnomAD v4.1: 5 of 1,612,576 alleles (0.00031%); highest among the groups gnomAD compares: East Asian, 0.0045%; no homozygotes.

Submission:

Labcorp Genetics (formerly Invitae), Labcorp
Classification: Uncertain significance for Peroxisome biogenesis disorder, complementation group K. Last evaluated: 2022-06-04. Review status: criteria provided, single submitter. Criteria: Invitae Variant Classification Sherloc (09022015). Collection method: clinical testing. Allele origin: germline.
Comment: This variant has not been reported in the literature in individuals affected with PEX14-related conditions. In summary, the available evidence is currently insufficient to determine the role of this variant in disease. Therefore, it has been classified as a Variant of Uncertain Significance. Algorithms developed to predict the effect of missense changes on protein structure and function (SIFT, PolyPhen-2, Align-GVGD) all suggest that this variant is likely to be tolerated. This variant is present in population databases (rs769167832, gnomAD 0.02%). This sequence change replaces glutamine, which is neutral and polar, with glutamic acid, which is acidic and polar, at codon 179 of the PEX14 protein (p.Gln179Glu).

NM_004565.3(PEX14):c.535C>G (p.Gln179Glu)

Genes: PEX14 (peroxisomal biogenesis factor 14; plus strand), LOC126805616 (CDK7 strongly-dependent group 2 enhancer GRCh37_chr1:10683990-10685189; plus strand). Cytogenetic location: 1p36.22.
Variant type: single nucleotide variant.
Coding change: c.535C>G on transcript NM_004565.3 (MANE Select); coding-DNA position 535, C replaced by G.
Protein change: p.Gln179Glu; replaces glutamine 179 with glutamic acid.
Molecular consequence: missense variant.
Genome position (GRCh38, 1-based): chr1:10,624,387, C>G. VCF-style: chr1-10624387-C-G. GRCh37 (hg19) VCF-style: chr1-10684444-C-G.
Other names: short protein forms Q179E.
Identifiers: ClinVar variation 2046365 (VCV002046365.2), dbSNP rs769167832, ClinGen allele CA583887.